The following is an entry in ClinVar:

NM_005121.3(MED13):c.2510C>T (p.Pro837Leu)

Gene: MED13 (mediator complex subunit 13; minus strand). Cytogenetic location: 17q23.2.
Variant type: single nucleotide variant.
Coding change: c.2510C>T on transcript NM_005121.3 (MANE Select); coding-DNA position 2510, C replaced by T.
Protein change: p.Pro837Leu; replaces proline 837 with leucine.
Molecular consequence: missense variant.
Genome position (GRCh38, 1-based): chr17:61,984,832, G>A on the plus strand (C>T on the coding strand, the complement: MED13 is on the minus strand). VCF-style: chr17-61984832-G-A. GRCh37 (hg19) VCF-style: chr17-60062193-G-A.
Other names: short protein forms P837L.
Identifiers: ClinVar variation 1810036 (VCV001810036.2), dbSNP rs2509282197, ClinGen allele CA400510105.

ClinVar aggregate classification (germline): Uncertain significance. Review status: criteria provided, multiple submitters, no conflicts (2 of 4 stars). 2 submissions from 2 submitters: Uncertain significance (2). Last evaluated 2024-03-18.

Conditions:
Inborn genetic diseases. Identifiers: MedGen C0950123, MeSH D030342.

Submissions (2):

Ambry Genetics
Classification: Uncertain significance for Inborn genetic diseases. Last evaluated: 2024-03-18. Review status: criteria provided, single submitter. Criteria: Ambry Variant Classification Scheme 2023. Collection method: clinical testing. Allele origin: germline.

GeneDx
Classification: Uncertain significance. Last evaluated: 2022-05-24. Review status: criteria provided, single submitter. Criteria: GeneDx Variant Classification Process June 2021. Collection method: clinical testing. Allele origin: germline. Affected: yes.
Comment: Not observed at significant frequency in large population cohorts (gnomAD); In silico analysis supports that this missense variant has a deleterious effect on protein structure/function; Has not been previously published as pathogenic or benign to our knowledge